The following is an entry in ClinVar:

ClinVar aggregate classification (germline): Likely benign (1 of 4 stars; one submission).

Submission:

Women's Health and Genetics/Laboratory Corporation of America, LabCorp
Classification: Likely benign. Last evaluated: 2025-05-15. Review status: criteria provided, single submitter. Criteria: LabCorp Variant Classification Summary - May 2015. Collection method: clinical testing. Allele origin: germline.
Comment: Variant summary: ARHGAP31 c.432-13C>T alters a nucleotide located at a position not widely known to affect splicing. Consensus agreement among computation tools predict no significant impact on normal splicing. However, these predictions have yet to be confirmed by functional studies. The variant was absent in 249574 control chromosomes (gnomAD). The available data on variant occurrences in the general population are insufficient to allow any conclusion about variant significance. To our knowledge, no occurrence of c.432-13C>T in individuals affected with Adams-Oliver Syndrome 1 and no experimental evidence demonstrating its impact on protein function have been reported. No submitters have cited clinical-significance assessments for this variant to ClinVar. Based on the evidence outlined above, the variant was classified as likely benign.

NM_020754.4(ARHGAP31):c.432-13C>T

Gene: ARHGAP31 (Rho GTPase activating protein 31; plus strand). Cytogenetic location: 3q13.33.
Variant type: single nucleotide variant.
Coding change: c.432-13C>T on transcript NM_020754.4 (MANE Select); 13 bases into the intron before coding-DNA position 432, C replaced by T.
Molecular consequence: intron variant.
Genome position (GRCh38, 1-based): chr3:119,382,279, C>T. VCF-style: chr3-119382279-C-T. GRCh37 (hg19) VCF-style: chr3-119101126-C-T.
Identifiers: ClinVar variation 3902194 (VCV003902194.1).